The following is an entry in ClinVar:

NM_003001.5(SDHC):c.77+6T>C

Gene: SDHC (succinate dehydrogenase complex subunit C; plus strand). Cytogenetic location: 1q23.3.
Variant type: single nucleotide variant.
Coding change: c.77+6T>C on transcript NM_003001.5 (MANE Select); 6 bases into the intron after coding-DNA position 77, T replaced by C.
Molecular consequence: intron variant.
Genome position (GRCh38, 1-based): chr1:161,323,676, T>C. VCF-style: chr1-161323676-T-C. GRCh37 (hg19) VCF-style: chr1-161293466-T-C.
Other names: c.-35+6T>C (NM_001407119.1); c.-153+6T>C (NM_001407120.1); c.77+6T>C (NM_001407115.1, NM_001035511.3, NM_001035512.3 and 2 more transcripts); c.21-4720T>C (NM_001407116.1, NM_001407121.1, NM_001407117.1); c.20+9251T>C (NM_001035513.3).
Identifiers: ClinVar variation 4789102 (VCV004789102.1).

ClinVar aggregate classification (germline): Uncertain significance (1 of 4 stars; one submission).

Conditions:
Pheochromocytoma/paraganglioma syndrome 3. Also called: GLOMUS TUMORS, FAMILIAL, 3; Paragangliomas 3; SDHC-Related Hereditary Paraganglioma-Pheochromocytoma Syndrome (Paragangliomas 3); SDHC-Related Hereditary Paraganglioma-Pheochromocytoma Syndrome. Identifiers: Orphanet 29072, MedGen C1854336, MONDO:0011544, OMIM 605373.
Gastrointestinal stromal tumor. Also called: Gastrointestinal stroma tumor; Gastrointestinal stromal tumor, somatic. Identifiers: Orphanet 44890, MedGen C0238198, MeSH D046152, MONDO:0011719, OMIM 606764, HP:0100723.

Submission:

Labcorp Genetics (formerly Invitae), Labcorp
Classification: Uncertain significance for Pheochromocytoma/paraganglioma syndrome 3; Gastrointestinal stromal tumor. Last evaluated: 2025-08-25. Review status: criteria provided, single submitter. Criteria: Invitae Variant Classification Sherloc (09022015). Collection method: clinical testing. Allele origin: germline.
Comment: This sequence change falls in intron 2 of the SDHC gene. It does not directly change the encoded amino acid sequence of the SDHC protein. It affects a nucleotide within the consensus splice site. This variant is not present in population databases (gnomAD no frequency). This variant has not been reported in the literature in individuals affected with SDHC-related conditions. Variants that disrupt the consensus splice site are a relatively common cause of aberrant splicing (PMID: 17576681, 9536098). Algorithms developed to predict the effect of sequence changes on RNA splicing suggest that this variant is not likely to affect RNA splicing. In summary, the available evidence is currently insufficient to determine the role of this variant in disease. Therefore, it has been classified as a Variant of Uncertain Significance.

Literature cited by the submitters: PubMed 17576681; PubMed 9536098.